The following is an entry in ClinVar:

NM_000038.6(APC):c.2773A>T (p.Ser925Cys)

Gene: APC (APC regulator of Wnt signaling pathway; plus strand). Cytogenetic location: 5q22.2.
Variant type: single nucleotide variant.
Coding change: c.2773A>T on transcript NM_000038.6 (MANE Select); coding-DNA position 2773, A replaced by T.
Protein change: p.Ser925Cys; replaces serine 925 with cysteine.
Molecular consequence: missense variant.
Genome position (GRCh38, 1-based): chr5:112,838,367, A>T. VCF-style: chr5-112838367-A-T. GRCh37 (hg19) VCF-style: chr5-112174064-A-T.
Other names: c.2773A>T, p.Ser925Cys (NM_001127510.3, NM_001354895.2); c.2719A>T, p.Ser907Cys (NM_001127511.3); c.2827A>T, p.Ser943Cys (NM_001354896.2); c.2803A>T, p.Ser935Cys (NM_001354897.2); c.2698A>T, p.Ser900Cys (NM_001354898.2); c.2689A>T, p.Ser897Cys (NM_001354899.2); c.2650A>T, p.Ser884Cys (NM_001354900.2); c.2596A>T, p.Ser866Cys (NM_001354901.2); and 5 more; short protein forms S824C, S866C, S834C, S907C, S943C, S799C, S935C, S642C.
Identifiers: ClinVar variation 1478811 (VCV001478811.8), dbSNP rs1253241630, ClinGen allele CA16027382.

ClinVar aggregate classification (germline): Uncertain significance (1 of 4 stars; one submission).

Conditions:
Familial adenomatous polyposis 1 (FAP1). Also called: FAMILIAL ADENOMATOUS POLYPOSIS 1, ATTENUATED; POLYPOSIS, ADENOMATOUS INTESTINAL. Identifiers: MedGen C2713442, MONDO:0021056, OMIM 175100. Disease mechanism: loss of function.

Submission:

Labcorp Genetics (formerly Invitae), Labcorp
Classification: Uncertain significance for Familial adenomatous polyposis 1. Last evaluated: 2021-05-27. Review status: criteria provided, single submitter. Criteria: Invitae Variant Classification Sherloc (09022015). Collection method: clinical testing. Allele origin: germline.
Comment: In summary, the available evidence is currently insufficient to determine the role of this variant in disease. Therefore, it has been classified as a Variant of Uncertain Significance. Algorithms developed to predict the effect of missense changes on protein structure and function are either unavailable or do not agree on the potential impact of this missense change (SIFT: "Deleterious"; PolyPhen-2: "Benign"; Align-GVGD: "Class C0"). This variant has not been reported in the literature in individuals with APC-related conditions. This variant is not present in population databases (ExAC no frequency). This sequence change replaces serine with cysteine at codon 925 of the APC protein (p.Ser925Cys). The serine residue is moderately conserved and there is a moderate physicochemical difference between serine and cysteine.